The following is an entry in ClinVar:

ClinVar aggregate classification (germline): Uncertain significance (1 of 4 stars; one submission).

Conditions:
Genitopatellar syndrome (GTPTS). Also called: Genitopatellar syndrome (GPS); ABSENT PATELLAE, SCROTAL HYPOPLASIA, RENAL ANOMALIES, FACIAL DYSMORPHISM, AND MENTAL RETARDATION. Identifiers: Orphanet 85201, MedGen C1853566, MONDO:0011640, OMIM 606170.
Blepharophimosis - intellectual disability syndrome, SBBYS type (SBBYSS). Also called: Say-Barber-Biesecker-Young-Simpson syndrome; Say-Barber-Biesecker variant of Ohdo syndrome (SBBYSS); Say-Barber-Biesecker-Young-Simpson variant of Ohdo Syndrome; Ohdo syndrome, SBBYS variant; Young Simpson syndrome; Mental retardation unusual facies hypothyroidism. Identifiers: Orphanet 3047, MedGen C1863557, MONDO:0011365, OMIM 603736.

Submission:

Juno Genomics, Hangzhou Juno Genomics, Inc
Classification: Uncertain significance for Blepharophimosis - intellectual disability syndrome, SBBYS type; Genitopatellar syndrome. Review status: criteria provided, single submitter. Criteria: ACMG Guidelines, 2015. Collection method: clinical testing. Allele origin: germline.
Comment: Absent from controls (or at extremely low frequency if recessive) in Genome Aggregation Database.;Missense variant in a gene that has a low rate of benign missense variation.

NM_012330.4(KAT6B):c.633T>A (p.Asp211Glu)

Gene: KAT6B (lysine acetyltransferase 6B; plus strand). Cytogenetic location: 10q22.2.
Variant type: single nucleotide variant.
Coding change: c.633T>A on transcript NM_012330.4 (MANE Select); coding-DNA position 633, T replaced by A.
Protein change: p.Asp211Glu; replaces aspartic acid 211 with glutamic acid.
Molecular consequence: missense variant.
Genome position (GRCh38, 1-based): chr10:74,959,981, T>A. VCF-style: chr10-74959981-T-A. GRCh37 (hg19) VCF-style: chr10-76719739-T-A.
Other names: c.633T>A, p.Asp211Glu (NM_001256468.2, NM_001256469.2, NM_001370132.1 and 10 more transcripts); c.95T>A, p.Ile32Asn (NM_001370134.1, NM_001370135.1); short protein forms D211E, I32N.
Identifiers: ClinVar variation 5019218 (VCV005019218.2).